The following is an entry in ClinVar:

ClinVar aggregate classification (germline): Uncertain significance (1 of 4 stars; one submission).

Conditions:
Imerslund-Grasbeck syndrome type 1 (IGS1). Also called: MEGALOBLASTIC ANEMIA, 1; Imerslund-Gräsbeck syndrome 1; Megaloblastic anemia 1, Finnish type. Identifiers: MedGen C4016819, MONDO:0100156, OMIM 261100.

gnomAD v4.1: 28 of 1,613,858 alleles (0.0017%); highest among the groups gnomAD compares: Non-Finnish European, 0.0023%; no homozygotes.

Submission:

MVZ Medizinische Genetik Mainz
Classification: Uncertain significance for Imerslund-Grasbeck syndrome type 1. Last evaluated: 2025-07-09. Review status: criteria provided, single submitter. Criteria: UK Practice Guidelines For Variant Classification V4 01 2020. Collection method: clinical testing. Allele origin: germline. Inheritance: Autosomal recessive inheritance. Affected: yes. Observed: 1 variant allele.
Comment: ACMG Criteria: PM1_SUP,PM2_SUP

NM_001081.4(CUBN):c.6652G>A (p.Gly2218Arg)

Gene: CUBN (cubilin; minus strand). Cytogenetic location: 10p13.
Variant type: single nucleotide variant.
Coding change: c.6652G>A on transcript NM_001081.4 (MANE Select); coding-DNA position 6652, G replaced by A.
Protein change: p.Gly2218Arg; replaces glycine 2218 with arginine.
Molecular consequence: missense variant.
Genome position (GRCh38, 1-based): chr10:16,920,132, C>T on the plus strand (G>A on the coding strand, the complement: CUBN is on the minus strand). VCF-style: chr10-16920132-C-T. GRCh37 (hg19) VCF-style: chr10-16962131-C-T.
Other names: short protein forms G2218R.
Identifiers: ClinVar variation 4072227 (VCV004072227.1).